The following is an entry in ClinVar:

NR_003051.4(RMRP):n.127C>T

Gene: RMRP (RNA component of mitochondrial RNA processing endoribonuclease; minus strand). Cytogenetic location: 9p13.3.
Variant type: single nucleotide variant.
Genome position: GRCh38 VCF-style: chr9-35657893-G-A. GRCh37 (hg19) VCF-style: chr9-35657890-G-A.
Identifiers: ClinVar variation 955961 (VCV000955961.7), dbSNP rs1303461251, ClinGen allele CA464450749.
Genomic context (GRCh38, chr9:35,657,893, plus strand): 5'-GCCCCCGCGCCACGCCGCTCAGCGGGATACGCTTCTTGGCGGACTTTGGAGTGGGAAGCG[G>A]GGAATGTCTACGTGCGTATGCACGTGGCACTCTCTGCCCGAGGTCCGGGGACTTTCCCCT-3'

ClinVar aggregate classification (germline): Uncertain significance. Review status: criteria provided, single submitter (1 of 4 stars). 2 submissions from 2 submitters: Uncertain significance (1). 1 of the submissions does not count toward it. Last evaluated 2021-09-01.

Conditions:
Metaphyseal chondrodysplasia, McKusick type (CHH). Also called: Cartilage-hair hypoplasia; Cartilage-Hair Hypoplasia (CHH). Identifiers: Orphanet 175, MedGen C0220748, MONDO:0009595, OMIM 250250.
Anauxetic dysplasia. Identifiers: Orphanet 93347, MedGen C1846796, MONDO:0011773.

Allele frequency attached by ClinVar (database versions not stated): gnomAD 0.00001.
gnomAD v4.1: 6 of 700,352 alleles (0.00086%); highest among the groups gnomAD compares: East Asian, 0.0027%; no homozygotes.

Submissions (2):

Labcorp Genetics (formerly Invitae), Labcorp
Classification: Uncertain significance for Anauxetic dysplasia. Last evaluated: 2021-09-01. Review status: criteria provided, single submitter. Criteria: Invitae Variant Classification Sherloc (09022015). Collection method: clinical testing. Allele origin: germline.
Comment: This variant occurs in the RMRP gene, which encodes an RNA molecule that does not result in a protein product. The frequency data for this variant in the population databases is considered unreliable, as metrics indicate insufficient coverage at this position in the ExAC database. This variant has not been reported in the literature in individuals affected with RMRP-related conditions. Experimental studies and prediction algorithms are not available or were not evaluated, and the functional significance of this variant is currently unknown. In summary, the available evidence is currently insufficient to determine the role of this variant in disease. Therefore, it has been classified as a Variant of Uncertain Significance.

Natera, Inc.
Classification: Uncertain significance for Cartilage-hair hypoplasia. Last evaluated: 2020-01-19. Review status: no assertion criteria provided. Collection method: clinical testing. Allele origin: germline. Not counted in ClinVar's aggregate classification.